The following is an entry in ClinVar:

NM_007194.4(CHEK2):c.1181A>G (p.Glu394Gly)

Gene: CHEK2 (checkpoint kinase 2; minus strand). Cytogenetic location: 22q12.1.
Variant type: single nucleotide variant.
Coding change: c.1181A>G on transcript NM_007194.4 (MANE Select); coding-DNA position 1181, A replaced by G.
Protein change: p.Glu394Gly; replaces glutamic acid 394 with glycine.
Molecular consequence: missense variant.
Genome position (GRCh38, 1-based): chr22:28,695,788, T>C on the plus strand (A>G on the coding strand, the complement: CHEK2 is on the minus strand). VCF-style: chr22-28695788-T-C. GRCh37 (hg19) VCF-style: chr22-29091776-T-C.
Other names: c.1310A>G, p.Glu437Gly (NM_001005735.3); c.518A>G, p.Glu173Gly (NM_001257387.3); c.980A>G, p.Glu327Gly (NM_001349956.3); c.1094A>G, p.Glu365Gly (NM_145862.3); short protein forms E173G, E327G, E394G, E437G, E365G.
Identifiers: ClinVar variation 2775066 (VCV002775066.1), dbSNP rs2145804012, ClinGen allele CA411096808.

ClinVar aggregate classification (germline): Uncertain significance (1 of 4 stars; one submission).

Conditions:
Hereditary cancer-predisposing syndrome. Also called: Neoplastic Syndromes, Hereditary; Tumor predisposition; Hereditary Cancer Syndrome; Hereditary neoplastic syndrome. Identifiers: Orphanet 140162, MedGen C0027672, MeSH D009386, MONDO:0015356.

Submission:

Color Diagnostics, LLC DBA Color Health
Classification: Uncertain significance for Hereditary cancer-predisposing syndrome. Last evaluated: 2023-11-13. Review status: criteria provided, single submitter. Criteria: ACMG Guidelines, 2015. Collection method: clinical testing. Allele origin: germline.
Comment: This missense variant replaces glutamic acid with glycine at codon 394 of the CHEK2 protein. Computational prediction suggests that this variant may have deleterious impact on protein structure and function (internally defined REVEL score threshold >= 0.7, PMID: 27666373). To our knowledge, functional studies have not been reported for this variant. This variant has not been reported in individuals affected with CHEK2-related disorders in the literature. This variant has not been identified in the general population by the Genome Aggregation Database (gnomAD). The available evidence is insufficient to determine the role of this variant in disease conclusively. Therefore, this variant is classified as a Variant of Uncertain Significance.